The following is an entry in ClinVar:

NM_003560.4(PLA2G6):c.2257G>T (p.Val753Phe)

Gene: PLA2G6 (phospholipase A2 group VI; minus strand). Cytogenetic location: 22q13.1.
Variant type: single nucleotide variant.
Coding change: c.2257G>T on transcript NM_003560.4 (MANE Select); coding-DNA position 2257, G replaced by T.
Protein change: p.Val753Phe; replaces valine 753 with phenylalanine.
Molecular consequence: missense variant.
Genome position (GRCh38, 1-based): chr22:38,112,523, C>A on the plus strand (G>T on the coding strand, the complement: PLA2G6 is on the minus strand). VCF-style: chr22-38112523-C-A. GRCh37 (hg19) VCF-style: chr22-38508530-C-A.
Other names: c.2095G>T, p.Val699Phe (NM_001004426.3, NM_001199562.3, NM_001349865.2 and 1 more transcripts); c.2257G>T, p.Val753Phe (NM_001349864.2); c.1723G>T, p.Val575Phe (NM_001349867.2); c.1579G>T, p.Val527Phe (NM_001349868.2); c.1561G>T, p.Val521Phe (NM_001349869.2); c.2257G>T (NM_003560.2); short protein forms V575F, V699F, V753F, V527F, V521F.
Identifiers: ClinVar variation 1388593 (VCV001388593.7), dbSNP rs1289082887, ClinGen allele CA411523321.

ClinVar aggregate classification (germline): Uncertain significance. Review status: criteria provided, multiple submitters, no conflicts (2 of 4 stars). 3 submissions from 3 submitters: Uncertain significance (3). Last evaluated 2024-11-06.

Conditions:
Infantile neuroaxonal dystrophy (NBIA2A). Also called: SEITELBERGER DISEASE; NEURODEGENERATION WITH BRAIN IRON ACCUMULATION 2A; Infantile neuroaxonal dystrophy 1. Identifiers: Orphanet 35069, MedGen C0270724, MONDO:0024457, OMIM 256600.

Allele frequency attached by ClinVar (database versions not stated): gnomAD exomes 0.00001.
gnomAD v4.1: 2 of 1,555,844 alleles (0.00013%); highest among the groups gnomAD compares: Non-Finnish European, 0.00017%; no homozygotes.

Submissions (3):

GeneDx
Classification: Uncertain significance. Last evaluated: 2024-11-06. Review status: criteria provided, single submitter. Criteria: GeneDx Variant Classification Process June 2021. Collection method: clinical testing. Allele origin: germline.
Comment: Reported in three individuals in a cohort of patients with neuromuscular disorders, however further information on these individuals was not provided (PMID: 34602496); Not observed at significant frequency in large population cohorts (gnomAD); In silico analysis indicates that this missense variant does not alter protein structure/function; This variant is associated with the following publications: (PMID: 34602496)

3billion
Classification: Uncertain significance for Infantile neuroaxonal dystrophy. Last evaluated: 2023-12-26. Review status: criteria provided, single submitter. Criteria: ACMG Guidelines, 2015. Collection method: clinical testing. Allele origin: germline. Affected: yes.
Comment: The variant is observed at an extremely low frequency in the gnomAD v2.1.1 dataset (total allele frequency: <0.001%). Predicted Consequence/Location: Missense variant In silico tool predictions suggest damaging effect of the variant on gene or gene product [3Cnet: 0.79 (>=0.6, sensitivity 0.72 and precision 0.9)]. Same nucleotide change resulting in same amino acid change has been previously reported to be associated with PLA2G6-related disorder (PMID: 34602496). However, the evidence of pathogenicity is insufficient at this time. Therefore, this variant is classified as VUS according to the recommendation of ACMG/AMP guideline.

Labcorp Genetics (formerly Invitae), Labcorp
Classification: Uncertain significance for Infantile neuroaxonal dystrophy. Last evaluated: 2023-08-02. Review status: criteria provided, single submitter. Criteria: Invitae Variant Classification Sherloc (09022015). Collection method: clinical testing. Allele origin: germline.
Comment: This missense change has been observed in individual(s) with clinical features of PLA2G6-related conditions (PMID: 34602496; Invitae; external communication). It has also been observed to segregate with disease in related individuals. The frequency data for this variant in the population databases is considered unreliable, as metrics indicate poor data quality at this position in the gnomAD database. This sequence change replaces valine, which is neutral and non-polar, with phenylalanine, which is neutral and non-polar, at codon 753 of the PLA2G6 protein (p.Val753Phe). ClinVar contains an entry for this variant (Variation ID: 1388593). In summary, the available evidence is currently insufficient to determine the role of this variant in disease. Therefore, it has been classified as a Variant of Uncertain Significance. Advanced modeling of protein sequence and biophysical properties (such as structural, functional, and spatial information, amino acid conservation, physicochemical variation, residue mobility, and thermodynamic stability) performed at Invitae indicates that this missense variant is not expected to disrupt PLA2G6 protein function.

Literature cited by the submitters: PubMed 34602496 (cited by 3billion and Labcorp Genetics (formerly Invitae), Labcorp).